The following is an entry in ClinVar:

ClinVar aggregate classification (germline): Uncertain significance (1 of 4 stars; one submission).

Conditions:
Idiopathic generalized epilepsy. Also called: EIG; Generalised epilepsy. Identifiers: MedGen C0270850, MONDO:0005579, OMIM 600669.

Submission:

Labcorp Genetics (formerly Invitae), Labcorp
Classification: Uncertain significance for Idiopathic generalized epilepsy. Last evaluated: 2021-05-26. Review status: criteria provided, single submitter. Criteria: Invitae Variant Classification Sherloc (09022015). Collection method: clinical testing. Allele origin: germline.
Comment: In summary, the available evidence is currently insufficient to determine the role of this variant in disease. Therefore, it has been classified as a Variant of Uncertain Significance. This variant has not been reported in the literature in individuals with RBFOX1-related conditions. This variant is a gross deletion of the genomic region encompassing exon(s) 6-7 of the RBFOX1 gene. This deletion is out-of-frame, and is expected to create a premature translational stop signal and result in an absent or disrupted protein product. However, the current clinical and genetic evidence is not sufficient to establish whether loss-of-function variants in RBFOX1 cause disease.

NC_000016.9:g.(?_7647353)_(7657360_?)del

Gene: RBFOX1 (RNA binding fox-1 homolog 1; plus strand). Cytogenetic location: 16p13.3.
Variant type: Deletion.
Identifiers: ClinVar variation 1450324 (VCV001450324.7).